The following is an entry in ClinVar:

NM_017617.5(NOTCH1):c.946C>T (p.His316Tyr)

Gene: NOTCH1 (notch receptor 1; minus strand). Cytogenetic location: 9q34.3.
Variant type: single nucleotide variant.
Coding change: c.946C>T on transcript NM_017617.5 (MANE Select); coding-DNA position 946, C replaced by T.
Protein change: p.His316Tyr; replaces histidine 316 with tyrosine.
Molecular consequence: missense variant.
Genome position (GRCh38, 1-based): chr9:136,518,744, G>A on the plus strand (C>T on the coding strand, the complement: NOTCH1 is on the minus strand). VCF-style: chr9-136518744-G-A. GRCh37 (hg19) VCF-style: chr9-139413196-G-A.
Other names: short protein forms H316Y.
Identifiers: ClinVar variation 2452196 (VCV002452196.2), dbSNP rs2133371304, ClinGen allele CA375565565.
Genomic context (GRCh38, chr9:136,518,744, plus strand): 5'-TGTTCTCGCTGCAGTCCTCACCAGTCCAGCCGTTGACACACACGCAGTTGTAGCCACCGT[G>A]GGTGTTGTGGCAGGTCCCGCCGTTCTGGCAGGCATTTGGCATCAGCTGGCACTCGTCCAC-3'
Protein context (NP_060087.3, residues 306-326): CQNGGTCHNT[His316Tyr]GGYNCVCVNG

ClinVar aggregate classification (germline): Uncertain significance (1 of 4 stars; one submission).

Conditions:
Familial thoracic aortic aneurysm and aortic dissection (TAAD). Also called: Thoracic aortic aneurysms and dissections. Identifiers: Orphanet 91387, MedGen C4707243, MONDO:0019625.

Submission:

Ambry Genetics
Classification: Uncertain significance for Familial thoracic aortic aneurysm and aortic dissection. Last evaluated: 2023-02-25. Review status: criteria provided, single submitter. Criteria: Ambry Variant Classification Scheme 2023. Collection method: clinical testing. Allele origin: germline.
Comment: The p.H316Y variant (also known as c.946C>T), located in coding exon 6 of the NOTCH1 gene, results from a C to T substitution at nucleotide position 946. The histidine at codon 316 is replaced by tyrosine, an amino acid with similar properties. This amino acid position is conserved. In addition, this alteration is predicted to be tolerated by in silico analysis. Since supporting evidence is limited at this time, the clinical significance of this alteration remains unclear.